The following is an entry in ClinVar:

NM_033056.4(PCDH15):c.4920G>T (p.Arg1640Ser)

Gene: PCDH15 (protocadherin related 15; minus strand). Cytogenetic location: 10q21.1.
Variant type: single nucleotide variant.
Coding change: c.4920G>T on transcript NM_033056.4 (MANE Plus Clinical); coding-DNA position 4920, G replaced by T.
Protein change: p.Arg1640Ser; replaces arginine 1640 with serine.
Molecular consequence: missense variant. On other transcripts: intron variant (8).
Genome position (GRCh38, 1-based): chr10:53,822,806, C>A on the plus strand (G>T on the coding strand, the complement: PCDH15 is on the minus strand). VCF-style: chr10-53822806-C-A. GRCh37 (hg19) VCF-style: chr10-55582566-C-A.
Other names: c.4800G>T, p.Arg1600Ser (NM_001142767.2); c.4860G>T, p.Arg1620Ser (NM_001142768.2); c.4851G>T, p.Arg1617Ser (NM_001142773.2); c.4854G>T, p.Arg1618Ser (NM_001354404.2); c.4367+4587G>T (NM_001354420.2, NM_001354429.2); c.4368-2576G>T (NM_001384140.1); c.4373+2330G>T (NM_001142772.2, NM_001142770.3); c.4388+2330G>T (NM_001142771.2); and 6 more; short protein forms R1571S, R1637S, R1642S, R1647S, R1617S, R1618S, R1640S, R1600S.
Identifiers: ClinVar variation 1394466 (VCV001394466.6), dbSNP rs2132501686, ClinGen allele CA376526276.
Genomic context (GRCh38, chr10:53,822,806, plus strand): 5'-AGAGTCTGAAGAGAGAGATTTCAACTGTTCTGTTCCTTCTATCATCAGTGTTTCACCTTG[C>A]CTTATTTCCTCTTTCTCTGTCAAATTTGCCTCTTCAGTTGTAAGCAATGGATTGCTGCTA-3'
Protein context (NP_149045.3, residues 1630-1650): EANLTEKEEI[Arg1640Ser]QGETLMIEGT

ClinVar aggregate classification (germline): Uncertain significance (1 of 4 stars; one submission).

Submission:

Labcorp Genetics (formerly Invitae), Labcorp
Classification: Uncertain significance. Last evaluated: 2025-04-28. Review status: criteria provided, single submitter. Criteria: Invitae Variant Classification Sherloc (09022015). Collection method: clinical testing. Allele origin: germline.
Comment: This sequence change replaces arginine, which is basic and polar, with serine, which is neutral and polar, at codon 1640 of the PCDH15 protein (p.Arg1640Ser). This variant is not present in population databases (gnomAD no frequency). This variant has not been reported in the literature in individuals affected with PCDH15-related conditions. ClinVar contains an entry for this variant (Variation ID: 1394466). Invitae Evidence Modeling of protein sequence and biophysical properties (such as structural, functional, and spatial information, amino acid conservation, physicochemical variation, residue mobility, and thermodynamic stability) indicates that this missense variant is not expected to disrupt PCDH15 protein function with a negative predictive value of 95%. In summary, the available evidence is currently insufficient to determine the role of this variant in disease. Therefore, it has been classified as a Variant of Uncertain Significance.